The following is an entry in ClinVar:

ClinVar aggregate classification (germline): Conflicting classifications of pathogenicity. Review status: criteria provided, conflicting classifications (1 of 4 stars). 2 submissions from 2 submitters: Uncertain significance (1); Likely benign (1). Last evaluated 2026-01-27.

Conditions:
Hereditary cancer-predisposing syndrome. Also called: Tumor predisposition; Neoplastic Syndromes, Hereditary; Hereditary Cancer Syndrome; Hereditary neoplastic syndrome. Identifiers: Orphanet 140162, MedGen C0027672, MeSH D009386, MONDO:0015356.
POLD1-related polyposis and colorectal cancer syndrome (CRCS10). Also called: Colorectal cancer 10; COLORECTAL CANCER, SUSCEPTIBILITY TO, ON CHROMOSOME 19q; Colorectal cancer, susceptibility to, 10. Identifiers: Orphanet 220460, MedGen C2675481, MONDO:0012953, OMIM 612591.

Allele frequency attached by ClinVar (database versions not stated): gnomAD exomes below 0.00001 and 0.00001; ExAC 0.00002.
gnomAD v4.1: 3 of 1,610,360 alleles (0.00019%); highest among the groups gnomAD compares: Non-Finnish European, 0.00025%; no homozygotes.

Submissions (2):

Labcorp Genetics (formerly Invitae), Labcorp
Classification: Uncertain significance for POLD1-related polyposis and colorectal cancer syndrome. Last evaluated: 2026-01-27. Review status: criteria provided, single submitter. Criteria: Invitae Variant Classification Sherloc (09022015). Collection method: clinical testing. Allele origin: germline.
Comment: This sequence change replaces glycine, which is neutral and non-polar, with aspartic acid, which is acidic and polar, at codon 784 of the POLD1 protein (p.Gly784Asp). This variant is present in population databases (rs749227042, gnomAD 0.002%). This variant has not been reported in the literature in individuals affected with POLD1-related conditions. ClinVar contains an entry for this variant (Variation ID: 571441). Invitae Evidence Modeling of protein sequence and biophysical properties (such as structural, functional, and spatial information, amino acid conservation, physicochemical variation, residue mobility, and thermodynamic stability) indicates that this missense variant is not expected to disrupt POLD1 protein function with a negative predictive value of 80%. In summary, the available evidence is currently insufficient to determine the role of this variant in disease. Therefore, it has been classified as a Variant of Uncertain Significance.

Ambry Genetics
Classification: Likely benign for Hereditary cancer-predisposing syndrome. Last evaluated: 2025-03-05. Review status: criteria provided, single submitter. Criteria: Ambry Variant Classification Scheme 2023. Collection method: clinical testing. Allele origin: germline.

NM_002691.4(POLD1):c.2351G>A (p.Gly784Asp)

Gene: POLD1 (DNA polymerase delta 1, catalytic subunit; plus strand). Cytogenetic location: 19q13.33.
Variant type: single nucleotide variant.
Coding change: c.2351G>A on transcript NM_002691.4 (MANE Select); coding-DNA position 2351, G replaced by A.
Protein change: p.Gly784Asp; replaces glycine 784 with aspartic acid.
Molecular consequence: missense variant. On other transcripts: non-coding transcript variant (1).
Genome position (GRCh38, 1-based): chr19:50,413,842, G>A. VCF-style: chr19-50413842-G-A. GRCh37 (hg19) VCF-style: chr19-50917099-G-A.
Other names: c.2351G>A, p.Gly784Asp (NM_001256849.1); c.2429G>A, p.Gly810Asp (NM_001308632.1); c.2351G>A (NM_002691.2); short protein forms G810D, G784D.
Identifiers: ClinVar variation 571441 (VCV000571441.8), dbSNP rs749227042, ClinGen allele CA9596490.
Genomic context (GRCh38, chr19:50,413,842, plus strand): 5'-GCGTGTCCTCGGTGGCTGAGGCGATGGCCCTGGGGCGGGAGGCCGCGGACTGGGTGTCAG[G>A]TCACTTCCCGTCGCCCATCCGGCTGGAGTTTGAGAAGGTGCGTGGCTGGGTCAGGGGCTC-3'
Protein context (NP_002682.2, residues 774-794): LGREAADWVS[Gly784Asp]HFPSPIRLEF